The following is an entry in ClinVar:

ClinVar aggregate classification (germline): Uncertain significance. Review status: criteria provided, multiple submitters, no conflicts (2 of 4 stars). 2 submissions from 2 submitters: Uncertain significance (2). Last evaluated 2025-10-17.

Conditions:
Bloom syndrome (BLM). Also called: Bloom-Torre-Machacek syndrome. Identifiers: Orphanet 125, MedGen C0005859, MONDO:0008876, OMIM 210900.
Hereditary cancer-predisposing syndrome. Also called: Neoplastic Syndromes, Hereditary; Tumor predisposition; Hereditary Cancer Syndrome; Hereditary neoplastic syndrome. Identifiers: Orphanet 140162, MedGen C0027672, MeSH D009386, MONDO:0015356.

Submissions (2):

Ambry Genetics
Classification: Uncertain significance for Hereditary cancer-predisposing syndrome. Last evaluated: 2025-10-17. Review status: criteria provided, single submitter. Criteria: Ambry Variant Classification Scheme 2023. Collection method: clinical testing. Allele origin: germline.
Comment: The p.G1397R variant (also known as c.4189G>A), located in coding exon 21 of the BLM gene, results from a G to A substitution at nucleotide position 4189. The glycine at codon 1397 is replaced by arginine, an amino acid with dissimilar properties. This amino acid position is conserved. In addition, this alteration is predicted to be deleterious by in silico analysis. Based on the available evidence, the clinical significance of this variant remains unclear.

Labcorp Genetics (formerly Invitae), Labcorp
Classification: Uncertain significance for Bloom syndrome. Last evaluated: 2025-07-02. Review status: criteria provided, single submitter. Criteria: Invitae Variant Classification Sherloc (09022015). Collection method: clinical testing. Allele origin: germline.
Comment: This sequence change replaces glycine, which is neutral and non-polar, with arginine, which is basic and polar, at codon 1397 of the BLM protein (p.Gly1397Arg). This variant is not present in population databases (gnomAD no frequency). This variant has not been reported in the literature in individuals affected with BLM-related conditions. An algorithm developed to predict the effect of missense changes on protein structure and function (PolyPhen-2) suggests that this variant is likely to be disruptive. In summary, the available evidence is currently insufficient to determine the role of this variant in disease. Therefore, it has been classified as a Variant of Uncertain Significance.

NM_000057.4(BLM):c.4189G>A (p.Gly1397Arg)

Gene: BLM (BLM RecQ like helicase; plus strand). Cytogenetic location: 15q26.1.
Variant type: single nucleotide variant.
Coding change: c.4189G>A on transcript NM_000057.4 (MANE Select); coding-DNA position 4189, G replaced by A.
Protein change: p.Gly1397Arg; replaces glycine 1397 with arginine.
Molecular consequence: missense variant.
Genome position (GRCh38, 1-based): chr15:90,815,214, G>A. VCF-style: chr15-90815214-G-A. GRCh37 (hg19) VCF-style: chr15-91358444-G-A.
Other names: c.4189G>A, p.Gly1397Arg (NM_001287246.2); c.3796G>A, p.Gly1266Arg (NM_001287247.2); c.3064G>A, p.Gly1022Arg (NM_001287248.2); short protein forms G1397R, G1022R, G1266R.
Identifiers: ClinVar variation 4622682 (VCV004622682.2).